The following is an entry in ClinVar:

NM_001003800.2(BICD2):c.2114A>T (p.Glu705Val)

Gene: BICD2 (BICD cargo adaptor 2; minus strand). Cytogenetic location: 9q22.31.
Variant type: single nucleotide variant.
Coding change: c.2114A>T on transcript NM_001003800.2 (MANE Select); coding-DNA position 2114, A replaced by T.
Protein change: p.Glu705Val; replaces glutamic acid 705 with valine.
Molecular consequence: missense variant.
Genome position (GRCh38, 1-based): chr9:92,717,941, T>A on the plus strand (A>T on the coding strand, the complement: BICD2 is on the minus strand). VCF-style: chr9-92717941-T-A. GRCh37 (hg19) VCF-style: chr9-95480223-T-A.
Other names: c.2114A>T, p.Glu705Val (NM_015250.4); short protein forms E705V.
Identifiers: ClinVar variation 3649752 (VCV003649752.2).
Genomic context (GRCh38, chr9:92,717,941, plus strand): 5'-GTCTCGGTAACCATGGCCTTCTCATTCTCATACTTGCTCTTCAGGTTGGCAAGGGCCACC[T>A]CGGCCGTCTGGGGGACAGATGTGTAGGGTGGAAAAGTGAAAGGCGTGAAGTCAGCCTAGA-3'
Protein context (NP_001003800.1, residues 695-715): TVLKANKQTA[Glu705Val]VALANLKSKY

ClinVar aggregate classification (germline): Uncertain significance (1 of 4 stars; one submission).

Conditions:
Autosomal dominant childhood-onset proximal spinal muscular atrophy with contractures (SMALED2A). Also called: SPINAL MUSCULAR ATROPHY, LOWER EXTREMITY-PREDOMINANT, 2A, CHILDHOOD ONSET, AUTOSOMAL DOMINANT; Spinal muscular atrophy, lower extremity-predominant, 2A, autosomal dominant. Identifiers: Orphanet 363447, Orphanet 363454, MedGen C4747715, MONDO:0014121, OMIM 615290.

Submission:

Labcorp Genetics (formerly Invitae), Labcorp
Classification: Uncertain significance for Autosomal dominant childhood-onset proximal spinal muscular atrophy with contractures. Last evaluated: 2024-04-18. Review status: criteria provided, single submitter. Criteria: Invitae Variant Classification Sherloc (09022015). Collection method: clinical testing. Allele origin: germline.
Comment: This sequence change replaces glutamic acid, which is acidic and polar, with valine, which is neutral and non-polar, at codon 705 of the BICD2 protein (p.Glu705Val). This variant is not present in population databases (gnomAD no frequency). This variant has not been reported in the literature in individuals affected with BICD2-related conditions. Advanced modeling of protein sequence and biophysical properties (such as structural, functional, and spatial information, amino acid conservation, physicochemical variation, residue mobility, and thermodynamic stability) performed at Invitae indicates that this missense variant is expected to disrupt BICD2 protein function with a positive predictive value of 80%. In summary, the available evidence is currently insufficient to determine the role of this variant in disease. Therefore, it has been classified as a Variant of Uncertain Significance.